The following is an entry in ClinVar:

ClinVar aggregate classification (germline): Conflicting classifications of pathogenicity. Review status: criteria provided, conflicting classifications (1 of 4 stars). 4 submissions from 4 submitters: Uncertain significance (3); Likely benign (1). Last evaluated 2026-01-20.

Conditions:
Inborn genetic diseases. Identifiers: MedGen C0950123, MeSH D030342.

Allele frequency attached by ClinVar (database versions not stated): ExAC 0.00002; gnomAD exomes 0.00004 and 0.00009; TOPMed 0.00004; gnomAD 0.00005; ESP Exome Variant Server 0.00012.
gnomAD v4.1: 134 of 1,590,016 alleles (0.0084%); highest among the groups gnomAD compares: Non-Finnish European, 0.011%; no homozygotes.

Submissions (4):

Labcorp Genetics (formerly Invitae), Labcorp
Classification: Likely benign. Last evaluated: 2026-01-20. Review status: criteria provided, single submitter. Criteria: Invitae Variant Classification Sherloc (09022015). Collection method: clinical testing. Allele origin: germline.

Ambry Genetics
Classification: Uncertain significance for Inborn genetic diseases. Last evaluated: 2024-11-26. Review status: criteria provided, single submitter. Criteria: Ambry Variant Classification Scheme 2023. Collection method: clinical testing. Allele origin: germline.

Blueprint Genetics
Classification: Uncertain significance. Last evaluated: 2024-10-07. Review status: criteria provided, single submitter. Criteria: ACMG Guidelines, 2015. Collection method: clinical testing. Allele origin: germline.

GeneDx
Classification: Uncertain significance. Last evaluated: 2021-02-24. Review status: criteria provided, single submitter. Criteria: GeneDx Variant Classification Process June 2021. Collection method: clinical testing. Allele origin: germline. Affected: yes.
Comment: Has not been previously published as pathogenic or benign to our knowledge; In silico analysis supports that this missense variant has a deleterious effect on protein structure/function

NM_080680.3(COL11A2):c.2591C>A (p.Ser864Tyr)

Gene: COL11A2 (collagen type XI alpha 2 chain; minus strand). Cytogenetic location: 6p21.32.
Variant type: single nucleotide variant.
Coding change: c.2591C>A on transcript NM_080680.3 (MANE Select); coding-DNA position 2591, C replaced by A.
Protein change: p.Ser864Tyr; replaces serine 864 with tyrosine.
Molecular consequence: missense variant.
Genome position (GRCh38, 1-based): chr6:33,173,738, G>T on the plus strand (C>A on the coding strand, the complement: COL11A2 is on the minus strand). VCF-style: chr6-33173738-G-T. GRCh37 (hg19) VCF-style: chr6-33141515-G-T.
Other names: c.2270C>A, p.Ser757Tyr (NM_080679.3); c.2333C>A, p.Ser778Tyr (NM_080681.3); short protein forms S757Y, S778Y, S864Y.
Identifiers: ClinVar variation 1212327 (VCV001212327.11), dbSNP rs373490721, ClinGen allele CA3750818.